The following is an entry in ClinVar:

ClinVar aggregate classification (germline): Uncertain significance. Review status: criteria provided, multiple submitters, no conflicts (2 of 4 stars). 2 submissions from 2 submitters: Uncertain significance (2). Last evaluated 2022-09-22.

Allele frequency attached by ClinVar (database versions not stated): gnomAD exomes below 0.00001 and 0.00001; TOPMed below 0.00001.
gnomAD v4.1: 18 of 1,612,332 alleles (0.0011%); highest among the groups gnomAD compares: Non-Finnish European, 0.0015%; no homozygotes.

Submissions (2):

GeneDx
Classification: Uncertain significance. Last evaluated: 2022-09-22. Review status: criteria provided, single submitter. Criteria: GeneDx Variant Classification Process June 2021. Collection method: clinical testing. Allele origin: germline. Affected: yes.
Comment: Not observed at significant frequency in large population cohorts (gnomAD); In silico analysis supports that this missense variant has a deleterious effect on protein structure/function; Has not been previously published as pathogenic or benign to our knowledge

Athena Diagnostics
Classification: Uncertain significance. Last evaluated: 2018-02-28. Review status: criteria provided, single submitter. Criteria: Athena Diagnostics Criteria. Collection method: clinical testing. Allele origin: germline.

NM_020247.5(COQ8A):c.1676A>C (p.His559Pro)

Gene: COQ8A (coenzyme Q8A; plus strand). Cytogenetic location: 1q42.13.
Variant type: single nucleotide variant.
Coding change: c.1676A>C on transcript NM_020247.5 (MANE Select); coding-DNA position 1676, A replaced by C.
Protein change: p.His559Pro; replaces histidine 559 with proline.
Molecular consequence: missense variant.
Genome position (GRCh38, 1-based): chr1:226,986,469, A>C. VCF-style: chr1-226986469-A-C. GRCh37 (hg19) VCF-style: chr1-227174170-A-C.
Other names: short protein forms H559P.
Identifiers: ClinVar variation 585376 (VCV000585376.3), dbSNP rs902464326, ClinGen allele CA38655858.